The following is an entry in ClinVar:

NM_001379081.2(FREM1):c.4738C>T (p.Arg1580Trp)

Gene: FREM1 (FRAS1 related extracellular matrix 1; minus strand). Cytogenetic location: 9p22.3.
Variant type: single nucleotide variant.
Coding change: c.4738C>T on transcript NM_001379081.2 (MANE Select); coding-DNA position 4738, C replaced by T.
Protein change: p.Arg1580Trp; replaces arginine 1580 with tryptophan.
Molecular consequence: missense variant. On other transcripts: non-coding transcript variant (2).
Genome position (GRCh38, 1-based): chr9:14,775,908, G>A on the plus strand (C>T on the coding strand, the complement: FREM1 is on the minus strand). VCF-style: chr9-14775908-G-A. GRCh37 (hg19) VCF-style: chr9-14775906-G-A.
Other names: c.4738C>T (NM_144966.5); c.346C>T, p.Arg116Trp (NM_001177704.3, NM_001370058.2, NM_001370061.2); c.4738C>T, p.Arg1580Trp (NM_144966.7); short protein forms R116W, R1580W.
Identifiers: ClinVar variation 2721999 (VCV002721999.6), dbSNP rs375476655, ClinGen allele CA4990080.

ClinVar aggregate classification (germline): Conflicting classifications of pathogenicity. Review status: criteria provided, conflicting classifications (1 of 4 stars). 3 submissions from 3 submitters: Uncertain significance (1); Likely benign (1). 1 of the submissions does not count toward it. Last evaluated 2025-02-17.

Conditions:
FREM1-related disorder. Also called: FREM1-related condition; FREM1-Related Disorders.
Trigonocephaly 2 (TRIGNO2). Identifiers: Orphanet 3366, MedGen C3280974, MONDO:0013774, OMIM 614485.
BNAR syndrome. Also called: Bifid Nose With or Without Anorectal and Renal Anomalies (BNAR) Syndrome. Identifiers: Orphanet 217266, MedGen C2750433, MONDO:0012165, OMIM 608980.
Oculotrichoanal syndrome (MOTA). Also called: MARLES SYNDROME; Manitoba Oculotrichoanal (MOTA) Syndrome. Identifiers: Orphanet 2717, MedGen C1855425, MONDO:0009560, OMIM 248450.

Allele frequency attached by ClinVar (database versions not stated): gnomAD 0.00012; ExAC 0.00013; gnomAD exomes 0.00003; ESP Exome Variant Server 0.00008.
gnomAD v4.1: 83 of 1,613,774 alleles (0.0051%); highest among the groups gnomAD compares: East Asian, 0.1%; no homozygotes.

Submissions (3):

Labcorp Genetics (formerly Invitae), Labcorp
Classification: Likely benign. Last evaluated: 2025-02-17. Review status: criteria provided, single submitter. Criteria: Invitae Variant Classification Sherloc (09022015). Collection method: clinical testing. Allele origin: germline.

Fulgent Genetics
Classification: Uncertain significance for Oculotrichoanal syndrome; BNAR syndrome; Trigonocephaly 2. Last evaluated: 2024-05-15. Review status: criteria provided, single submitter. Criteria: ACMG Guidelines, 2015. Collection method: clinical testing. Allele origin: germline.

PreventionGenetics, part of Exact Sciences
Classification: Likely benign for FREM1-related condition. Last evaluated: 2022-04-18. Review status: no assertion criteria provided. Collection method: clinical testing. Allele origin: germline. Not counted in ClinVar's aggregate classification.
Comment: This variant is classified as likely benign based on ACMG/AMP sequence variant interpretation guidelines (Richards et al. 2015 PMID: 25741868, with internal and published modifications).